The following is an entry in ClinVar:

NM_000441.2(SLC26A4):c.1124A>G (p.Tyr375Cys)

Gene: SLC26A4 (solute carrier family 26 member 4; plus strand). Cytogenetic location: 7q22.3.
Variant type: single nucleotide variant.
Coding change: c.1124A>G on transcript NM_000441.2 (MANE Select); coding-DNA position 1124, A replaced by G.
Protein change: p.Tyr375Cys; replaces tyrosine 375 with cysteine.
Molecular consequence: missense variant.
Genome position (GRCh38, 1-based): chr7:107,689,175, A>G. VCF-style: chr7-107689175-A-G. GRCh37 (hg19) VCF-style: chr7-107329620-A-G.
Other names: short protein forms Y375C.
Identifiers: ClinVar variation 1685126 (VCV001685126.6), dbSNP rs148425972, ClinGen allele CA4432685.

ClinVar aggregate classification (germline): Conflicting classifications of pathogenicity. Review status: criteria provided, conflicting classifications (1 of 4 stars). 4 submissions from 4 submitters: Likely pathogenic (1); Uncertain significance (3). Last evaluated 2025-11-09.

Conditions:
Pendred syndrome (PDS). Also called: GOITER-DEAFNESS SYNDROME; HYPOTHYROIDISM, CONGENITAL, DUE TO DYSHORMONOGENESIS, 2B; THYROID DYSHORMONOGENESIS 2B; THYROID HORMONOGENESIS, GENETIC DEFECT IN, 2B; DEAFNESS WITH GOITER; Pendred Syndrome (PDS). Identifiers: Orphanet 705, MedGen C0271829, MONDO:0010134, OMIM 274600.
Autosomal recessive nonsyndromic hearing loss 4 (DFNB4). Also called: DEAFNESS, AUTOSOMAL RECESSIVE 4, WITH ENLARGED VESTIBULAR AQUEDUCT, DIGENIC; NEUROSENSORY NONSYNDROMIC RECESSIVE DEAFNESS 4; FOXI1-Related Pendred Syndrome; KCNJ10-Related Pendred Syndrome; Deafness, autosomal recessive 4, with enlarged vestibular aqueduct; Deafness, autosomal recessive 4. Identifiers: Orphanet 90636, MedGen C3538946, MONDO:0010933, OMIM 600791.

Allele frequency attached by ClinVar (database versions not stated): TOPMed below 0.00001; ExAC 0.00001; gnomAD 0.00001 and 0.00002; 1000 Genomes Project 30x 0.00016; 1000 Genomes Project 0.00020.

Submissions (4):

Labcorp Genetics (formerly Invitae), Labcorp
Classification: Likely pathogenic. Last evaluated: 2025-11-09. Review status: criteria provided, single submitter. Criteria: Invitae Variant Classification Sherloc (09022015). Collection method: clinical testing. Allele origin: germline.
Comment: This sequence change replaces tyrosine, which is neutral and polar, with cysteine, which is neutral and slightly polar, at codon 375 of the SLC26A4 protein (p.Tyr375Cys). This variant is present in population databases (rs148425972, gnomAD 0.006%). This missense change has been observed in individual(s) with clinical features of Pendred syndrome and/or SLC26A4-related conditions (PMID: 19040761, 19744334, 23185506, 23555729, 34628810). ClinVar contains an entry for this variant (Variation ID: 1685126). Invitae Evidence Modeling of protein sequence and biophysical properties (such as structural, functional, and spatial information, amino acid conservation, physicochemical variation, residue mobility, and thermodynamic stability) indicates that this missense variant is expected to disrupt SLC26A4 protein function with a positive predictive value of 95%. In summary, the currently available evidence indicates that the variant is pathogenic, but additional data are needed to prove that conclusively. Therefore, this variant has been classified as Likely Pathogenic.

Women's Health and Genetics/Laboratory Corporation of America, LabCorp
Classification: Uncertain significance. Last evaluated: 2025-06-23. Review status: criteria provided, single submitter. Criteria: LabCorp Variant Classification Summary - May 2015. Collection method: clinical testing. Allele origin: germline.
Comment: Variant summary: SLC26A4 c.1124A>G (p.Tyr375Cys) results in a non-conservative amino acid change in the encoded protein sequence. Algorithms developed to predict the effect of missense changes on protein structure and function all suggest that this variant is likely to be disruptive. The variant was absent in 251246 control chromosomes. c.1124A>G has been observed in individual(s) with clinical symptoms of Pendred Syndrome (Dahl_2013, Dai_2008). These data indicate that the variant may be associated with disease. To our knowledge, no experimental evidence demonstrating an impact on protein function has been reported. The following publications have been ascertained in the context of this evaluation (PMID: 23555729, 19040761). ClinVar contains an entry for this variant (Variation ID: 1685126). Based on the evidence outlined above, the variant was classified as VUS-possibly pathogenic.

Fulgent Genetics
Classification: Uncertain significance for Pendred syndrome; Autosomal recessive nonsyndromic hearing loss 4. Last evaluated: 2022-05-20. Review status: criteria provided, single submitter. Criteria: ACMG Guidelines, 2015. Collection method: clinical testing. Allele origin: unknown.

Mendelics
Classification: Uncertain significance. Last evaluated: 2022-05-04. Review status: criteria provided, single submitter. Criteria: Mendelics Assertion Criteria 2019. Collection method: clinical testing. Allele origin: germline.

Literature cited by the submitters: PubMed 19040761 (cited by Labcorp Genetics (formerly Invitae), Labcorp and Women's Health and Genetics/Laboratory Corporation of America, LabCorp); PubMed 19744334 (cited by Labcorp Genetics (formerly Invitae), Labcorp); PubMed 23185506 (cited by Labcorp Genetics (formerly Invitae), Labcorp); PubMed 23555729 (cited by Labcorp Genetics (formerly Invitae), Labcorp and Women's Health and Genetics/Laboratory Corporation of America, LabCorp); PubMed 34628810 (cited by Labcorp Genetics (formerly Invitae), Labcorp).